The following is an entry in ClinVar:

ClinVar aggregate classification (germline): Benign/Likely benign. Review status: criteria provided, multiple submitters, no conflicts (2 of 4 stars). 3 submissions from 3 submitters: Benign (1); Likely benign (1). 1 of the submissions does not count toward it. Last evaluated 2024-04-29.

Conditions:
EIF2AK4-related disorder. Also called: EIF2AK4-related condition.

Allele frequency attached by ClinVar (database versions not stated): 1000 Genomes Project 30x 0.00062; gnomAD 0.00062; TOPMed 0.00065; ESP Exome Variant Server 0.00077; 1000 Genomes Project 0.00080.
gnomAD v4.1: 170 of 1,452,288 alleles (0.012%); highest among the groups gnomAD compares: African/African-American, 0.21%; no homozygotes.

Submissions (3):

Labcorp Genetics (formerly Invitae), Labcorp
Classification: Benign. Last evaluated: 2024-04-29. Review status: criteria provided, single submitter. Criteria: Invitae Variant Classification Sherloc (09022015). Collection method: clinical testing. Allele origin: germline.

Blueprint Genetics
Classification: Likely benign. Last evaluated: 2024-02-15. Review status: criteria provided, single submitter. Criteria: ACMG Guidelines, 2015. Collection method: clinical testing. Allele origin: germline.

PreventionGenetics, part of Exact Sciences
Classification: Likely benign for EIF2AK4-related condition. Last evaluated: 2023-12-29. Review status: no assertion criteria provided. Collection method: clinical testing. Allele origin: germline. Not counted in ClinVar's aggregate classification.
Comment: This variant is classified as likely benign based on ACMG/AMP sequence variant interpretation guidelines (Richards et al. 2015 PMID: 25741868, with internal and published modifications).

NM_001013703.4(EIF2AK4):c.2319+9A>G

Gene: EIF2AK4 (eukaryotic translation initiation factor 2 alpha kinase 4; plus strand). Cytogenetic location: 15q15.1.
Variant type: single nucleotide variant.
Coding change: c.2319+9A>G on transcript NM_001013703.4 (MANE Select); 9 bases into the intron after coding-DNA position 2319, A replaced by G.
Molecular consequence: intron variant.
Genome position (GRCh38, 1-based): chr15:39,978,156, A>G. VCF-style: chr15-39978156-A-G. GRCh37 (hg19) VCF-style: chr15-40270357-A-G.
Other names: c.2319+9A>G (NM_001013703.3).
Identifiers: ClinVar variation 2723862 (VCV002723862.6), dbSNP rs200759892, ClinGen allele CA7473992.
Genomic context (GRCh38, chr15:39,978,156, plus strand): 5'-AAGTGATATTATCTTTGACAATGAAGATGAGAACAGTAAAAGTCAGAATCAGGTATATAT[A>G]TGAATAGAAATTATATCATTTTATTCGTGATATAATTGACGTCTGATGTCATAAACCTTA-3'